The following is an entry in ClinVar:

ClinVar aggregate classification (germline): Pathogenic/Likely pathogenic. Review status: criteria provided, multiple submitters, no conflicts (2 of 4 stars). 3 submissions from 3 submitters: Pathogenic (1); Likely pathogenic (1). 1 of the submissions does not count toward it. Last evaluated 2025-06-12.

Conditions:
X-linked Alport syndrome (ATS1). Also called: COL4A5-Related Nephropathy; NEPHROPATHY AND DEAFNESS, X-LINKED. Identifiers: Orphanet 63, Orphanet 88917, MedGen C4746986, MONDO:0010520, OMIM 301050.
COL4A5-related disorders.

Submissions (3):

Labcorp Genetics (formerly Invitae), Labcorp
Classification: Pathogenic. Last evaluated: 2025-06-12. Review status: criteria provided, single submitter. Criteria: Invitae Variant Classification Sherloc (09022015). Collection method: clinical testing. Allele origin: germline.
Comment: This sequence change replaces glycine, which is neutral and non-polar, with glutamic acid, which is acidic and polar, at codon 1161 of the COL4A5 protein (p.Gly1161Glu). This variant is not present in population databases (gnomAD no frequency). This missense change has been observed in individuals with Alport syndrome (PMID: 24130771; internal data). ClinVar contains an entry for this variant (Variation ID: 635536). Invitae Evidence Modeling of protein sequence and biophysical properties (such as structural, functional, and spatial information, amino acid conservation, physicochemical variation, residue mobility, and thermodynamic stability) indicates that this missense variant is expected to disrupt COL4A5 protein function with a positive predictive value of 95%. This variant disrupts the triple helix domain of COL4A5. Glycine residues within the Gly-Xaa-Yaa repeats of the triple helix domain are required for the structure and stability of fibrillar collagens (PMID: 7695699, 8218237, 19344236). In COL4A5, missense variants at these glycine residues are significantly enriched in individuals with disease (PMID: 23720012, 27627812) compared to the general population (ExAC). For these reasons, this variant has been classified as Pathogenic.

Blueprint Genetics
Classification: Likely pathogenic for COL4A5-related disorders. Last evaluated: 2022-02-16. Review status: criteria provided, single submitter. Criteria: ACMG Guidelines, 2015. Collection method: clinical testing. Allele origin: germline. Affected: yes. Observed: 1 variant allele.

Bioscientia Institut fuer Medizinische Diagnostik GmbH, Sonic Healthcare
Classification: Pathogenic for X-linked Alport syndrome. Last evaluated: 2018-12-27. Review status: no assertion criteria provided. Collection method: clinical testing. Allele origin: germline. Affected: yes. Not counted in ClinVar's aggregate classification.

Literature cited by the submitters: PubMed 24130771 (cited by Labcorp Genetics (formerly Invitae), Labcorp); PubMed 7695699 (cited by Labcorp Genetics (formerly Invitae), Labcorp); PubMed 8218237 (cited by Labcorp Genetics (formerly Invitae), Labcorp); PubMed 19344236 (cited by Labcorp Genetics (formerly Invitae), Labcorp); PubMed 23720012 (cited by Labcorp Genetics (formerly Invitae), Labcorp); PubMed 27627812 (cited by Labcorp Genetics (formerly Invitae), Labcorp).

NM_033380.3(COL4A5):c.3482G>A (p.Gly1161Glu)

Gene: COL4A5 (collagen type IV alpha 5 chain; plus strand). Cytogenetic location: Xq22.3.
Variant type: single nucleotide variant.
Coding change: c.3482G>A on transcript NM_033380.3 (MANE Select); coding-DNA position 3482, G replaced by A.
Protein change: p.Gly1161Glu; replaces glycine 1161 with glutamic acid.
Molecular consequence: missense variant.
Genome position (GRCh38, 1-based): chrX:108,666,523, G>A. VCF-style: chrX-108666523-G-A. GRCh37 (hg19) VCF-style: chrX-107909753-G-A.
Other names: c.3482G>A, p.Gly1161Glu (NM_000495.5); short protein forms G1161E.
Identifiers: ClinVar variation 635536 (VCV000635536.7), dbSNP rs1603310380, ClinGen allele CA413847718.